The following is an entry in ClinVar:

NM_022124.6(CDH23):c.3769G>T (p.Glu1257Ter)

Genes: C10orf105 (chromosome 10 open reading frame 105; minus strand), CDH23 (cadherin related 23; plus strand). Cytogenetic location: 10q22.1.
Variant type: single nucleotide variant.
Coding change: c.3769G>T on transcript NM_022124.6 (MANE Select); coding-DNA position 3769, G replaced by T.
Protein change: p.Glu1257Ter; replaces glutamic acid 1257 with a stop codon.
Molecular consequence: nonsense. On other transcripts: intron variant (1).
Genome position (GRCh38, 1-based): chr10:71,732,040, G>T. VCF-style: chr10-71732040-G-T. GRCh37 (hg19) VCF-style: chr10-73491797-G-T.
Other names: c.3769G>T, p.Glu1257Ter (NM_001171930.2); c.-6+5688C>A (NM_001168390.2); short protein forms E1257*.
Identifiers: ClinVar variation 2680507 (VCV002680507.4), dbSNP rs2494184862, ClinGen allele CA377155874.

ClinVar aggregate classification (germline): Pathogenic/Likely pathogenic. Review status: criteria provided, multiple submitters, no conflicts (2 of 4 stars). 2 submissions from 2 submitters: Pathogenic (1); Likely pathogenic (1). Last evaluated 2023-01-25.

Conditions:
Pituitary adenoma 5, multiple types. Identifiers: MedGen C4539685, MONDO:0054601, OMIM 617540.

Submissions (2):

Baylor Genetics
Classification: Likely pathogenic for Pituitary adenoma 5, multiple types. Last evaluated: 2023-01-25. Review status: criteria provided, single submitter. Criteria: ACMG Guidelines, 2015. Collection method: clinical testing. Allele origin: unknown.

Labcorp Genetics (formerly Invitae), Labcorp
Classification: Pathogenic. Last evaluated: 2022-11-26. Review status: criteria provided, single submitter. Criteria: Invitae Variant Classification Sherloc (09022015). Collection method: clinical testing. Allele origin: germline.
Comment: For these reasons, this variant has been classified as Pathogenic. This variant is not present in population databases (gnomAD no frequency). This variant has not been reported in the literature in individuals affected with CDH23-related conditions. This sequence change creates a premature translational stop signal (p.Glu1257*) in the CDH23 gene. It is expected to result in an absent or disrupted protein product. Loss-of-function variants in CDH23 are known to be pathogenic (PMID: 11138009, 21940737).

Literature cited by the submitters: PubMed 11138009 (cited by Labcorp Genetics (formerly Invitae), Labcorp); PubMed 21940737 (cited by Labcorp Genetics (formerly Invitae), Labcorp).